The following is an entry in ClinVar:

ClinVar aggregate classification (germline): Uncertain significance (1 of 4 stars; one submission).

Conditions:
Cardiovascular phenotype. Identifiers: MedGen CN230736.

Allele frequency attached by ClinVar (database versions not stated): gnomAD 0.00001; TOPMed 0.00001.
gnomAD v4.1: 7 of 1,523,284 alleles (0.00046%); highest among the groups gnomAD compares: Non-Finnish European, 0.00061%; no homozygotes.

Submission:

Ambry Genetics
Classification: Uncertain significance for Cardiovascular phenotype. Last evaluated: 2018-05-29. Review status: criteria provided, single submitter. Criteria: Ambry Variant Classification Scheme 2023. Collection method: clinical testing. Allele origin: germline.
Comment: The p.G12E variant (also known as c.35G>A), located in coding exon 1 of the TXNRD2 gene, results from a G to A substitution at nucleotide position 35. The glycine at codon 12 is replaced by glutamic acid, an amino acid with similar properties. This amino acid position is not well conserved in available vertebrate species. In addition, this alteration is predicted to be tolerated by in silico analysis. Since supporting evidence is limited at this time, the clinical significance of this alteration remains unclear.

NM_006440.5(TXNRD2):c.35G>A (p.Gly12Glu)

Gene: TXNRD2 (thioredoxin reductase 2; minus strand). Cytogenetic location: 22q11.21.
Variant type: single nucleotide variant.
Coding change: c.35G>A on transcript NM_006440.5 (MANE Select); coding-DNA position 35, G replaced by A.
Protein change: p.Gly12Glu; replaces glycine 12 with glutamic acid.
Molecular consequence: missense variant. On other transcripts: non-coding transcript variant (1).
Genome position (GRCh38, 1-based): chr22:19,941,769, C>T on the plus strand (G>A on the coding strand, the complement: TXNRD2 is on the minus strand). VCF-style: chr22-19941769-C-T. GRCh37 (hg19) VCF-style: chr22-19929292-C-T.
Other names: c.35G>A, p.Gly12Glu (NM_001282512.3, NM_001352300.2); c.-220C>T (NM_000754.3); short protein forms G12E.
Identifiers: ClinVar variation 1733076 (VCV001733076.2), dbSNP rs1388977857, ClinGen allele CA410700120.
Genomic context (GRCh38, chr22:19,941,769, plus strand): 5'-CCCCGCGCCGCGCCCCGCACCCCGCCCGCCACGGCCTGCGTCCGCCACCGGAAGCGCCCT[C>T]CTAATCCCCGCAGCGCCACCGCCATTGCCGCCATCGTCGTGGGGCTTCTGGGGCAGCTAG-3'
Protein context (NP_006431.2, residues 2-22): AAMAVALRGL[Gly12Glu]GRFRWRTQAV